The following is an entry in ClinVar:

NM_001277313.2(FMN1):c.4228C>T (p.Arg1410Cys)

Genes: FMN1 (formin 1; minus strand), LOC126862090 (P300/CBP strongly-dependent group 1 enhancer GRCh37_chr15:33065769-33066968; plus strand). Cytogenetic location: 15q13.3.
Variant type: single nucleotide variant.
Coding change: c.4228C>T on transcript NM_001277313.2 (MANE Select); coding-DNA position 4228, C replaced by T.
Protein change: p.Arg1410Cys; replaces arginine 1410 with cysteine.
Molecular consequence: missense variant.
Genome position (GRCh38, 1-based): chr15:32,774,342, G>A on the plus strand (C>T on the coding strand, the complement: FMN1 is on the minus strand). VCF-style: chr15-32774342-G-A. GRCh37 (hg19) VCF-style: chr15-33066543-G-A.
Other names: c.3559C>T, p.Arg1187Cys (NM_001103184.4); short protein forms R1187C, R1410C.
Identifiers: ClinVar variation 4748321 (VCV004748321.1).
Genomic context (GRCh38, chr15:32,774,342, plus strand): 5'-AGTGCCATCATTTCCATGTGTCTTCATCTTAGTTAGTGGTCACACTGGCTTCCTTCTGAC[G>A]CAGTCTTTCTTTCTGTTAAGGAAAAAAAAATGAATGTATCATTTTCTTTCATCTTTCTCA-3'
Protein context (NP_001264242.1, residues 1400-1419): NPTASLKERL[Arg1410Cys]QKEASVTTN

ClinVar aggregate classification (germline): Uncertain significance (1 of 4 stars; one submission).

gnomAD v4.1: 13 of 1,597,874 alleles (0.00081%); highest among the groups gnomAD compares: Admixed American, 0.0052%; no homozygotes.

Submission:

Labcorp Genetics (formerly Invitae), Labcorp
Classification: Uncertain significance. Last evaluated: 2025-12-03. Review status: criteria provided, single submitter. Criteria: Invitae Variant Classification Sherloc (09022015). Collection method: clinical testing. Allele origin: germline.
Comment: This sequence change replaces arginine, which is basic and polar, with cysteine, which is neutral and slightly polar, at codon 1187 of the FMN1 protein (p.Arg1187Cys). The frequency data for this variant in the population databases is considered unreliable, as metrics indicate poor data quality at this position in the gnomAD database. This variant has not been reported in the literature in individuals affected with FMN1-related conditions. An algorithm developed to predict the effect of missense changes on protein structure and function outputs the following: PolyPhen-2: "Benign". The cysteine amino acid residue is found in multiple mammalian species, which suggests that this missense change does not adversely affect protein function. In summary, the available evidence is currently insufficient to determine the role of this variant in disease. Therefore, it has been classified as a Variant of Uncertain Significance.